The following is an entry in ClinVar:

ClinVar aggregate classification (germline): Uncertain significance. Review status: criteria provided, single submitter (1 of 4 stars). 2 submissions from 2 submitters: Uncertain significance (1). 1 of the submissions does not count toward it. Last evaluated 2021-05-29.

Conditions:
Epidermolysis bullosa dystrophica. Also called: Dystrophic epidermolysis bullosa, Hallopeau-Siemens type (formerly); Dystrophic epidermolysis bullosa. Identifiers: Orphanet 303, MedGen C0079294, MONDO:0006543.

Submissions (2):

Labcorp Genetics (formerly Invitae), Labcorp
Classification: Uncertain significance. Last evaluated: 2021-05-29. Review status: criteria provided, single submitter. Criteria: Invitae Variant Classification Sherloc (09022015). Collection method: clinical testing. Allele origin: germline.
Comment: Advanced modeling of protein sequence and biophysical properties (such as structural, functional, and spatial information, amino acid conservation, physicochemical variation, residue mobility, and thermodynamic stability) performed at Invitae indicates that this missense variant is not expected to disrupt COL7A1 protein function. In summary, the available evidence is currently insufficient to determine the role of this variant in disease. Therefore, it has been classified as a Variant of Uncertain Significance. This variant has not been reported in the literature in individuals with COL7A1-related conditions. This variant is not present in population databases (ExAC no frequency). This sequence change replaces glutamine with leucine at codon 166 of the COL7A1 protein (p.Gln166Leu). The glutamine residue is moderately conserved and there is a moderate physicochemical difference between glutamine and leucine.

Natera, Inc.
Classification: Uncertain significance for Dystrophic epidermolysis bullosa. Last evaluated: 2025-04-10. Review status: no assertion criteria provided. Collection method: clinical testing. Allele origin: germline. Not counted in ClinVar's aggregate classification.

NM_000094.4(COL7A1):c.497A>T (p.Gln166Leu)

Gene: COL7A1 (collagen type VII alpha 1 chain; minus strand). Cytogenetic location: 3p21.31.
Variant type: single nucleotide variant.
Coding change: c.497A>T on transcript NM_000094.4 (MANE Select); coding-DNA position 497, A replaced by T.
Protein change: p.Gln166Leu; replaces glutamine 166 with leucine.
Molecular consequence: missense variant.
Genome position (GRCh38, 1-based): chr3:48,593,379, T>A on the plus strand (A>T on the coding strand, the complement: COL7A1 is on the minus strand). VCF-style: chr3-48593379-T-A. GRCh37 (hg19) VCF-style: chr3-48630812-T-A.
Other names: c.497A>T (NM_000094.3); short protein forms Q166L.
Identifiers: ClinVar variation 1476102 (VCV001476102.9), dbSNP rs2107800203, ClinGen allele CA352746492.
Genomic context (GRCh38, chr3:48,593,379, plus strand): 5'-CCCCCCAGCTGACCTGTCACTCCTGCTCGGTCCTTACCCACAGCAAATAGCTTGACCCCC[T>A]GCCCCTTCAGCCTTTGGGCAGCTGTGTCCACCAGGTCCTGGGACTTCCCGTCTGTGATCA-3'
Protein context (NP_000085.1, residues 156-176): VDTAAQRLKG[Gln166Leu]GVKLFAVGIK